The following is an entry in ClinVar:

ClinVar aggregate classification (germline): Uncertain significance. Review status: criteria provided, multiple submitters, no conflicts (2 of 4 stars). 2 submissions from 2 submitters: Uncertain significance (2). Last evaluated 2024-10-28.

Conditions:
Episodic kinesigenic dyskinesia (EKD). Also called: Paroxysmal kinesigenic dyskinesia. Identifiers: Orphanet 98809, MedGen C1868682, MONDO:0044202.
Inborn genetic diseases. Identifiers: MedGen C0950123, MeSH D030342.

Allele frequency attached by ClinVar (database versions not stated): gnomAD exomes 0.00001; ExAC 0.00002.

Submissions (2):

Labcorp Genetics (formerly Invitae), Labcorp
Classification: Uncertain significance for Episodic kinesigenic dyskinesia. Last evaluated: 2024-10-28. Review status: criteria provided, single submitter. Criteria: Invitae Variant Classification Sherloc (09022015). Collection method: clinical testing. Allele origin: germline.
Comment: This sequence change replaces glycine, which is neutral and non-polar, with aspartic acid, which is acidic and polar, at codon 195 of the PRRT2 protein (p.Gly195Asp). This variant is present in population databases (rs768339900, gnomAD 0.002%). This variant has not been reported in the literature in individuals affected with PRRT2-related conditions. ClinVar contains an entry for this variant (Variation ID: 2538812). Invitae Evidence Modeling of protein sequence and biophysical properties (such as structural, functional, and spatial information, amino acid conservation, physicochemical variation, residue mobility, and thermodynamic stability) indicates that this missense variant is not expected to disrupt PRRT2 protein function with a negative predictive value of 95%. In summary, the available evidence is currently insufficient to determine the role of this variant in disease. Therefore, it has been classified as a Variant of Uncertain Significance.

Ambry Genetics
Classification: Uncertain significance for Inborn genetic diseases. Last evaluated: 2023-04-19. Review status: criteria provided, single submitter. Criteria: Ambry Variant Classification Scheme 2023. Collection method: clinical testing. Allele origin: germline.

NM_145239.3(PRRT2):c.584G>A (p.Gly195Asp)

Genes: MVP-DT (MVP divergent transcript; minus strand), PRRT2 (proline rich transmembrane protein 2; plus strand). Cytogenetic location: 16p11.2.
Variant type: single nucleotide variant.
Coding change: c.584G>A on transcript NM_145239.3 (MANE Select); coding-DNA position 584, G replaced by A.
Protein change: p.Gly195Asp; replaces glycine 195 with aspartic acid.
Molecular consequence: missense variant.
Genome position (GRCh38, 1-based): chr16:29,813,638, G>A. VCF-style: chr16-29813638-G-A. GRCh37 (hg19) VCF-style: chr16-29824959-G-A.
Other names: c.584G>A, p.Gly195Asp (NM_001256442.2, NM_001256443.2); short protein forms G195D.
Identifiers: ClinVar variation 2538812 (VCV002538812.5), dbSNP rs768339900, ClinGen allele CA7994548.